The following is an entry in ClinVar:

ClinVar aggregate classification (germline): Uncertain significance (1 of 4 stars; one submission).

Conditions:
CHEK1-related disorder. Also called: CHEK1-related condition.

Submission:

PreventionGenetics, part of Exact Sciences
Classification: Uncertain significance for CHEK1-related condition. Last evaluated: 2022-10-01. Review status: criteria provided, single submitter. Criteria: ACMG Guidelines, 2015. Collection method: clinical testing. Allele origin: germline.
Comment: The CHEK1 c.634A>C variant is predicted to result in the amino acid substitution p.Ile212Leu. To our knowledge, this variant has not been reported in the literature or in a large population database, indicating this variant is rare. At this time, the clinical significance of this variant is uncertain due to the absence of conclusive functional and genetic evidence.

NM_001114122.3(CHEK1):c.586A>C (p.Ile196Leu)

Gene: CHEK1 (checkpoint kinase 1; plus strand). Cytogenetic location: 11q24.2.
Variant type: single nucleotide variant.
Coding change: c.586A>C on transcript NM_001114122.3 (MANE Select); coding-DNA position 586, A replaced by C.
Protein change: p.Ile196Leu; replaces isoleucine 196 with leucine.
Molecular consequence: missense variant. On other transcripts: non-coding transcript variant (2).
Genome position (GRCh38, 1-based): chr11:125,633,324, A>C. VCF-style: chr11-125633324-A-C. GRCh37 (hg19) VCF-style: chr11-125503219-A-C.
Other names: c.586A>C, p.Ile196Leu (NM_001114121.2, NM_001244846.1, NM_001274.5); c.283A>C, p.Ile95Leu (NM_001330427.2); c.304A>C, p.Ile102Leu (NM_001330428.1); short protein forms I102L, I196L, I95L.
Identifiers: ClinVar variation 2637335 (VCV002637335.1), dbSNP rs2498291410, ClinGen allele CA383191996.